The following is an entry in ClinVar:

ClinVar aggregate classification (germline): Likely benign (0 of 4 stars; one submission).

Conditions:
PPARG-related disorder. Also called: PPARG-related disorders; PPARG-related condition.

Submission:

PreventionGenetics, part of Exact Sciences
Classification: Likely benign for PPARG-related condition. Last evaluated: 2021-11-08. Review status: no assertion criteria provided. Collection method: clinical testing. Allele origin: germline.
Comment: This variant is classified as likely benign based on ACMG/AMP sequence variant interpretation guidelines (Richards et al. 2015 PMID: 25741868, with internal and published modifications).

NM_138711.6(PPARG):c.1329T>A (p.Ile443=)

Gene: PPARG (peroxisome proliferator activated receptor gamma; plus strand). Cytogenetic location: 3p25.2.
Variant type: single nucleotide variant.
Coding change: c.1329T>A on transcript NM_138711.6 (MANE Select); coding-DNA position 1329, T replaced by A.
Protein change: p.Ile443=; no amino-acid change (isoleucine 443 retained).
Molecular consequence: synonymous variant. On other transcripts: 3 prime UTR variant (5).
Genome position (GRCh38, 1-based): chr3:12,434,046, T>A. VCF-style: chr3-12434046-T-A. GRCh37 (hg19) VCF-style: chr3-12475545-T-A.
Other names: c.*131T>A (NM_001330615.4, NM_001374261.3, NM_001374262.3 and 1 more transcripts); c.1329T>A, p.Ile443= (NM_001354666.3, NM_001354667.3, NM_001374263.2 and 3 more transcripts); c.702T>A, p.Ile234= (NM_001354669.2); c.*115T>A (NM_001374266.1); c.1419T>A, p.Ile473= (NM_015869.5).
Identifiers: ClinVar variation 3357132 (VCV003357132.1).
Genomic context (GRCh38, chr3:12,434,046, plus strand): 5'-CCCTGAGTCCTCACAGCTGTTTGCCAAGCTGCTCCAGAAAATGACAGACCTCAGACAGAT[T>A]GTCACGGAACACGTGCAGCTACTGCAGGTGATCAAGAAGACGGAGACAGACATGAGTCTT-3'
Protein context (NP_619725.3, residues 433-453): LLQKMTDLRQ[Ile443=]VTEHVQLLQV